The following is an entry in ClinVar:

NM_201384.3(PLEC):c.13305C>T (p.Leu4435=)

Gene: PLEC (plectin; minus strand). Cytogenetic location: 8q24.3.
Variant type: single nucleotide variant.
Coding change: c.13305C>T on transcript NM_201384.3 (MANE Select); coding-DNA position 13305, C replaced by T.
Protein change: p.Leu4435=; no amino-acid change (leucine 4435 retained).
Molecular consequence: synonymous variant.
Genome position (GRCh38, 1-based): chr8:143,916,516, G>A on the plus strand (C>T on the coding strand, the complement: PLEC is on the minus strand). VCF-style: chr8-143916516-G-A. GRCh37 (hg19) VCF-style: chr8-144990684-G-A.
Other names: c.13386C>T, p.Leu4462= (NM_000445.5); c.13263C>T, p.Leu4421= (NM_201378.4); c.13239C>T, p.Leu4413= (NM_201379.3); c.13716C>T, p.Leu4572= (NM_201380.4); c.13209C>T, p.Leu4403= (NM_201381.3); c.13305C>T, p.Leu4435= (NM_201382.4); c.13317C>T, p.Leu4439= (NM_201383.3).
Identifiers: ClinVar variation 389930 (VCV000389930.9), dbSNP rs375059618, ClinGen allele CA4923847.
Genomic context (GRCh38, chr8:143,916,516, plus strand): 5'-CACCATGCTGCGGTCCAGCGCGTCCTTATAGGAGATCTTGAGCTTGGTCTTAGGGCAGGT[G>A]AGGTACTTGGAGTAGGCGCCCACGTCACGCAGCTTCTGTGCGGTGCGGGCGTCCACCGTG-3'
Protein context (NP_958786.1, residues 4425-4445): LRDVGAYSKY[Leu4435=]TCPKTKLKIS

ClinVar aggregate classification (germline): Likely benign. Review status: criteria provided, multiple submitters, no conflicts (2 of 4 stars). 2 submissions from 2 submitters: Likely benign (2). Last evaluated 2024-02-24.

Conditions:
Epidermolysis bullosa simplex with nail dystrophy (EBS5D). Identifiers: MedGen C4225309, MONDO:0014661, OMIM 616487.
Epidermolysis bullosa simplex 5B, with muscular dystrophy (EBS5B). Also called: EPIDERMOLYSIS BULLOSA SIMPLEX AND LIMB-GIRDLE MUSCULAR DYSTROPHY; Epidermolysis bullosa simplex with muscular dystrophy. Identifiers: Orphanet 257, MedGen C2931072, MONDO:0009181, OMIM 226670.
Epidermolysis bullosa simplex, Ogna type (EBS5A). Also called: Pidermolysis bullosa simplex 5A, Ogna type; EPIDERMOLYSIS BULLOSA SIMPLEX 5A, OGNA TYPE. Identifiers: Orphanet 79401, MedGen C0432317, MONDO:0007555, OMIM 131950.
Autosomal recessive limb-girdle muscular dystrophy type 2Q (LGMDR17). Also called: MUSCULAR DYSTROPHY, LIMB-GIRDLE, AUTOSOMAL RECESSIVE 17. Identifiers: Orphanet 254361, MedGen C3150989, MONDO:0013390, OMIM 613723.
Epidermolysis bullosa simplex 5C, with pyloric atresia (EBS5C). Also called: PLEC-Related Epidermolysis Bullosa with Pyloric Atresia; Epidermolysis bullosa simplex with pyloric atresia; PLEC1-Related Epidermolysis Bullosa with Pyloric Atresia. Identifiers: Orphanet 158684, MedGen C2677349, MONDO:0012807, OMIM 612138.

Allele frequency attached by ClinVar (database versions not stated): gnomAD 0.00001; ExAC 0.00002; gnomAD exomes 0.00002; TOPMed 0.00003; ESP Exome Variant Server 0.00008.

Submissions (2):

Labcorp Genetics (formerly Invitae), Labcorp
Classification: Likely benign for Autosomal recessive limb-girdle muscular dystrophy type 2Q; Epidermolysis bullosa simplex, Ogna type; Epidermolysis bullosa simplex with nail dystrophy; Epidermolysis bullosa simplex 5C, with pyloric atresia; Epidermolysis bullosa simplex 5B, with muscular dystrophy. Last evaluated: 2024-02-24. Review status: criteria provided, single submitter. Criteria: Invitae Variant Classification Sherloc (09022015). Collection method: clinical testing. Allele origin: germline.

GeneDx
Classification: Likely benign. Last evaluated: 2016-10-27. Review status: criteria provided, single submitter. Criteria: GeneDx Variant Classification (06012015). Collection method: clinical testing. Allele origin: germline. Affected: yes.
Comment: This variant is considered likely benign or benign based on one or more of the following criteria: it is a conservative change, it occurs at a poorly conserved position in the protein, it is predicted to be benign by multiple in silico algorithms, and/or has population frequency not consistent with disease.